The following is an entry in ClinVar:

ClinVar aggregate classification (germline): Uncertain significance (1 of 4 stars; one submission).

Conditions:
Autoimmune lymphoproliferative syndrome type 1. Also called: AUTOIMMUNE LYMPHOPROLIFERATIVE SYNDROME, TYPE I, AUTOSOMAL DOMINANT. Identifiers: Orphanet 3261, MedGen C2717884, MONDO:0011158, OMIM 601859.

Allele frequency attached by ClinVar (database versions not stated): gnomAD exomes below 0.00001.
gnomAD v4.1: 4 of 1,613,334 alleles (0.00025%); highest among the groups gnomAD compares: Non-Finnish European, 0.00017%; no homozygotes.

Submission:

Labcorp Genetics (formerly Invitae), Labcorp
Classification: Uncertain significance for Autoimmune lymphoproliferative syndrome. Last evaluated: 2022-08-28. Review status: criteria provided, single submitter. Criteria: Invitae Variant Classification Sherloc (09022015). Collection method: clinical testing. Allele origin: germline.
Comment: This sequence change replaces valine, which is neutral and non-polar, with alanine, which is neutral and non-polar, at codon 227 of the FAS protein (p.Val227Ala). This variant is present in population databases (no rsID available, gnomAD 0.0009%). This variant has not been reported in the literature in individuals affected with FAS-related conditions. Algorithms developed to predict the effect of missense changes on protein structure and function output the following: SIFT: "Not Available"; PolyPhen-2: "Benign"; Align-GVGD: "Not Available". The alanine amino acid residue is found in multiple mammalian species, which suggests that this missense change does not adversely affect protein function. In summary, the available evidence is currently insufficient to determine the role of this variant in disease. Therefore, it has been classified as a Variant of Uncertain Significance.

NM_000043.6(FAS):c.680T>C (p.Val227Ala)

Gene: FAS (Fas cell surface death receptor; plus strand). Cytogenetic location: 10q23.31.
Variant type: single nucleotide variant.
Coding change: c.680T>C on transcript NM_000043.6 (MANE Select); coding-DNA position 680, T replaced by C.
Protein change: p.Val227Ala; replaces valine 227 with alanine.
Molecular consequence: missense variant. On other transcripts: 3 prime UTR variant (1), synonymous variant (1), non-coding transcript variant (7).
Genome position (GRCh38, 1-based): chr10:89,014,122, T>C. VCF-style: chr10-89014122-T-C. GRCh37 (hg19) VCF-style: chr10-90773879-T-C.
Other names: c.*3T>C (NM_001320619.2); c.725T>C, p.Val242Ala (NM_001410956.1); c.617T>C, p.Val206Ala (NM_152871.4); c.655T>C, p.Leu219= (NM_152872.4); short protein forms V242A, V206A, V227A.
Identifiers: ClinVar variation 2050141 (VCV002050141.4), dbSNP rs1405501436, ClinGen allele CA377509532.